The following is an entry in ClinVar:

NM_001232.4(CASQ2):c.244C>T (p.Gln82Ter)

Gene: CASQ2 (calsequestrin 2; minus strand). Cytogenetic location: 1p13.1.
Variant type: single nucleotide variant.
Coding change: c.244C>T on transcript NM_001232.4 (MANE Select); coding-DNA position 244, C replaced by T.
Protein change: p.Gln82Ter; replaces glutamine 82 with a stop codon.
Molecular consequence: nonsense.
Genome position (GRCh38, 1-based): chr1:115,744,903, G>A on the plus strand (C>T on the coding strand, the complement: CASQ2 is on the minus strand). VCF-style: chr1-115744903-G-A. GRCh37 (hg19) VCF-style: chr1-116287524-G-A.
Other names: short protein forms Q82*.
Identifiers: ClinVar variation 2914975 (VCV002914975.3), dbSNP rs2526032244, ClinGen allele CA341765536.
Genomic context (GRCh38, chr1:115,744,903, plus strand): 5'-GCTTGGCTTCTTTCTTGGCATCCACCATCACAAAGCCTATAGCTTTATGTTCAAGGACCT[G>A]GGCCACAAGCTGAAGAAACAAATGGAAAGATGAGTGTGCTAAGGGCAGAAAGATGGTAGA-3'

ClinVar aggregate classification (germline): Pathogenic (1 of 4 stars; one submission).

Conditions:
Catecholaminergic polymorphic ventricular tachycardia 1. Also called: VENTRICULAR TACHYCARDIA, CATECHOLAMINERGIC POLYMORPHIC, 1, WITH OR WITHOUT ATRIAL DYSFUNCTION AND/OR DILATED CARDIOMYOPATHY; VENTRICULAR TACHYCARDIA, STRESS-INDUCED POLYMORPHIC 1; RYR2-Related Catecholaminergic Polymorphic Ventricular Tachycardia. Identifiers: Orphanet 3286, MedGen C1631597, MONDO:0011484, OMIM 604772.

Allele frequency attached by ClinVar (database versions not stated): gnomAD exomes below 0.00001.
gnomAD v4.1: 5 of 1,612,562 alleles (0.00031%); highest among the groups gnomAD compares: Non-Finnish European, 0.00042%; no homozygotes.

Submission:

Labcorp Genetics (formerly Invitae), Labcorp
Classification: Pathogenic for Catecholaminergic polymorphic ventricular tachycardia 1. Last evaluated: 2024-12-23. Review status: criteria provided, single submitter. Criteria: Invitae Variant Classification Sherloc (09022015). Collection method: clinical testing. Allele origin: germline.
Comment: This sequence change creates a premature translational stop signal (p.Gln82*) in the CASQ2 gene. It is expected to result in an absent or disrupted protein product. Loss-of-function variants in CASQ2 are known to be pathogenic (PMID: 12386154). This variant is not present in population databases (gnomAD no frequency). This variant has not been reported in the literature in individuals affected with CASQ2-related conditions. ClinVar contains an entry for this variant (Variation ID: 2914975). For these reasons, this variant has been classified as Pathogenic.

Literature cited by the submitters: PubMed 12386154.